The following is an entry in ClinVar:

NM_005901.6(SMAD2):c.612dup (p.Asn205Ter)

Gene: SMAD2 (SMAD family member 2; minus strand). Cytogenetic location: 18q21.1.
Variant type: Duplication.
Coding change: c.612dup on transcript NM_005901.6 (MANE Select); coding-DNA position 612, one base duplicated (T; older notation c.612dupT).
Protein change: p.Asn205Ter; replaces asparagine 205 with a stop codon.
Molecular consequence: nonsense.
Genome position (GRCh38, 1-based): chr18:47,868,366, A duplicated on the plus strand (T on the coding strand, the reverse complement: SMAD2 is on the minus strand). VCF-style (leftmost placement, unchanged base first): chr18-47868365-T-TA. GRCh37 (hg19) VCF-style: chr18-45394736-T-TA.
Other names: c.612dup, p.Asn205Ter (NM_001003652.4); c.522dup, p.Asn175Ter (NM_001135937.3); short protein forms N175*, N205*.
Identifiers: ClinVar variation 1327537 (VCV001327537.3), dbSNP rs2144373131, ClinGen allele CA2573054672.

ClinVar aggregate classification (germline): Pathogenic/Likely pathogenic. Review status: no assertion criteria provided (0 of 4 stars). 2 submissions from 2 submitters: Pathogenic (1); Likely pathogenic (1). Last evaluated 2024-08-12.

Conditions:
Loeys-Dietz syndrome 6. Identifiers: MedGen C5562041, MONDO:0030500, OMIM 619656.
SMAD2-related disorder. Also called: SMAD2-related disorders; SMAD2-related condition.

Submissions (2):

PreventionGenetics, part of Exact Sciences
Classification: Likely pathogenic for SMAD2-related condition. Last evaluated: 2024-08-12. Review status: no assertion criteria provided. Collection method: clinical testing. Allele origin: germline.
Comment: The SMAD2 c.612dupT variant is predicted to result in premature protein termination (p.Asn205*). This variant has been reported as de novo in a patient with aortic root aneurysm and features of a connective tissue disorder (Granadillo et al. 2018. PubMed ID: 30157302), and as inherited from an affected father in a marfanoid patient with aortic root dilatation (Cannaerts et al. 2018. PubMed ID: 29967133). This variant has not been reported in a large population database, indicating this variant is rare. Nonsense variants in SMAD2 are expected to be pathogenic. This variant is interpreted as likely pathogenic.

OMIM
Classification: Pathogenic for LOEYS-DIETZ SYNDROME 6. Last evaluated: 2021-12-10. Review status: no assertion criteria provided. Collection method: literature only. Allele origin: germline.

Literature cited by the submitters: PubMed 30157302 (cited by OMIM); PubMed 29967133 (cited by OMIM).